The following is an entry in ClinVar:

ClinVar aggregate classification (germline): Uncertain significance (1 of 4 stars; one submission).

gnomAD v4.1: 4 of 1,550,912 alleles (0.00026%); highest among the groups gnomAD compares: Non-Finnish European, 0.00035%; no homozygotes.

Submission:

GeneDx
Classification: Uncertain significance. Last evaluated: 2026-04-23. Review status: criteria provided, single submitter. Criteria: GeneDx Variant Classification Process June 2021. Collection method: clinical testing. Allele origin: germline.
Comment: Not observed at significant frequency in large population cohorts (gnomAD); In silico analysis suggests that this missense variant does not alter protein structure/function; Has not been previously published as pathogenic or benign to our knowledge

NM_001145026.2(PTPRQ):c.3592A>G (p.Ile1198Val)

Gene: PTPRQ (protein tyrosine phosphatase receptor type Q; plus strand). Cytogenetic location: 12q21.31.
Variant type: single nucleotide variant.
Coding change: c.3592A>G on transcript NM_001145026.2 (MANE Select); coding-DNA position 3592, A replaced by G.
Protein change: p.Ile1198Val; replaces isoleucine 1198 with valine.
Molecular consequence: missense variant.
Genome position (GRCh38, 1-based): chr12:80,542,235, A>G. VCF-style: chr12-80542235-A-G. GRCh37 (hg19) VCF-style: chr12-80936014-A-G.
Other names: short protein forms I1198V.
Identifiers: ClinVar variation 5037413 (VCV005037413.1).